The following is an entry in ClinVar:

NM_001999.4(FBN2):c.1039C>T (p.Arg347Cys)

Gene: FBN2 (fibrillin 2; minus strand). Cytogenetic location: 5q23.3.
Variant type: single nucleotide variant.
Coding change: c.1039C>T on transcript NM_001999.4 (MANE Select); coding-DNA position 1039, C replaced by T.
Protein change: p.Arg347Cys; replaces arginine 347 with cysteine.
Molecular consequence: missense variant.
Genome position (GRCh38, 1-based): chr5:128,408,713, G>A on the plus strand (C>T on the coding strand, the complement: FBN2 is on the minus strand). VCF-style: chr5-128408713-G-A. GRCh37 (hg19) VCF-style: chr5-127744406-G-A.
Other names: c.1039C>T (NM_001999.3); short protein forms R347C.
Identifiers: ClinVar variation 2441382 (VCV002441382.5), dbSNP rs1406694303, ClinGen allele CA360753323.

ClinVar aggregate classification (germline): Uncertain significance. Review status: criteria provided, multiple submitters, no conflicts (2 of 4 stars). 3 submissions from 3 submitters: Uncertain significance (3). Last evaluated 2026-09-08.

Conditions:
Congenital contractural arachnodactyly (CCA). Also called: Beals-Hecht syndrome; BEALS SYNDROME; Arthrogryposis, distal, type 9. Identifiers: Orphanet 115, MedGen C0220668, MONDO:0007363, OMIM 121050.
Familial thoracic aortic aneurysm and aortic dissection (TAAD). Also called: Thoracic aortic aneurysms and dissections. Identifiers: Orphanet 91387, MedGen C4707243, MONDO:0019625.

Allele frequency attached by ClinVar (database versions not stated): gnomAD exomes 0.00001; TOPMed 0.00001.
gnomAD v4.1: 16 of 1,613,974 alleles (0.00099%); highest among the groups gnomAD compares: Non-Finnish European, 0.0014%; no homozygotes.

Submissions (3):

Ambry Genetics
Classification: Uncertain significance for Familial thoracic aortic aneurysm and aortic dissection. Last evaluated: 2026-09-08. Review status: criteria provided, single submitter. Criteria: Ambry Variant Classification Scheme 2023. Collection method: clinical testing. Allele origin: germline.
Comment: The p.R347C variant (also known as c.1039C>T), located in coding exon 8 of the FBN2 gene, results from a C to T substitution at nucleotide position 1039. The arginine at codon 347 is replaced by cysteine, an amino acid with highly dissimilar properties. This amino acid position is well conserved in available vertebrate species. In addition, this alteration is predicted to be deleterious by in silico analysis. Based on the available evidence, the clinical significance of this variant remains unclear.

Labcorp Genetics (formerly Invitae), Labcorp
Classification: Uncertain significance for Congenital contractural arachnodactyly. Last evaluated: 2025-11-12. Review status: criteria provided, single submitter. Criteria: Invitae Variant Classification Sherloc (09022015). Collection method: clinical testing. Allele origin: germline.
Comment: This sequence change replaces arginine, which is basic and polar, with cysteine, which is neutral and slightly polar, at codon 347 of the FBN2 protein (p.Arg347Cys). This variant is present in population databases (no rsID available, gnomAD 0.0009%). This variant has not been reported in the literature in individuals affected with FBN2-related conditions. ClinVar contains an entry for this variant (Variation ID: 2441382). Invitae Evidence Modeling of protein sequence and biophysical properties (such as structural, functional, and spatial information, amino acid conservation, physicochemical variation, residue mobility, and thermodynamic stability) has been performed for this missense variant. However, the output from this modeling did not meet the statistical confidence thresholds required to predict the impact of this variant on FBN2 protein function. In summary, the available evidence is currently insufficient to determine the role of this variant in disease. Therefore, it has been classified as a Variant of Uncertain Significance.

Revvity Omics, Revvity
Classification: Uncertain significance. Last evaluated: 2022-03-04. Review status: criteria provided, single submitter. Criteria: ACMG Guidelines, 2015. Collection method: clinical testing. Allele origin: germline.